The following is an entry in ClinVar:

NM_006031.6(PCNT):c.8578T>C (p.Ser2860Pro)

Gene: PCNT (pericentrin; plus strand). Cytogenetic location: 21q22.3.
Variant type: single nucleotide variant.
Coding change: c.8578T>C on transcript NM_006031.6 (MANE Select); coding-DNA position 8578, T replaced by C.
Protein change: p.Ser2860Pro; replaces serine 2860 with proline.
Molecular consequence: missense variant. On other transcripts: intron variant (1).
Genome position (GRCh38, 1-based): chr21:46,432,042, T>C. VCF-style: chr21-46432042-T-C. GRCh37 (hg19) VCF-style: chr21-47851956-T-C.
Other names: c.8160+64T>C (NM_001315529.2); short protein forms S2860P.
Identifiers: ClinVar variation 1354026 (VCV001354026.8), dbSNP rs2147987435, ClinGen allele CA410573832.

ClinVar aggregate classification (germline): Uncertain significance (1 of 4 stars; one submission).

gnomAD v4.1: 1 of 1,613,774 alleles (0.000062%); highest among the groups gnomAD compares: East Asian, 0.0022%; no homozygotes.

Submission:

Labcorp Genetics (formerly Invitae), Labcorp
Classification: Uncertain significance. Last evaluated: 2022-02-05. Review status: criteria provided, single submitter. Criteria: Invitae Variant Classification Sherloc (09022015). Collection method: clinical testing. Allele origin: germline.
Comment: This variant has not been reported in the literature in individuals affected with PCNT-related conditions. Algorithms developed to predict the effect of missense changes on protein structure and function (SIFT, PolyPhen-2, Align-GVGD) all suggest that this variant is likely to be tolerated. This sequence change replaces serine, which is neutral and polar, with proline, which is neutral and non-polar, at codon 2860 of the PCNT protein (p.Ser2860Pro). This variant is not present in population databases (gnomAD no frequency). In summary, the available evidence is currently insufficient to determine the role of this variant in disease. Therefore, it has been classified as a Variant of Uncertain Significance.